The following is an entry in ClinVar:

NM_015466.4(PTPN23):c.4106G>A (p.Arg1369His)

Gene: PTPN23 (protein tyrosine phosphatase non-receptor type 23; plus strand). Cytogenetic location: 3p21.31.
Variant type: single nucleotide variant.
Coding change: c.4106G>A on transcript NM_015466.4 (MANE Select); coding-DNA position 4106, G replaced by A.
Protein change: p.Arg1369His; replaces arginine 1369 with histidine.
Molecular consequence: missense variant.
Genome position (GRCh38, 1-based): chr3:47,412,126, G>A. VCF-style: chr3-47412126-G-A. GRCh37 (hg19) VCF-style: chr3-47453616-G-A.
Other names: c.4106G>A (NM_015466.2); c.3728G>A, p.Arg1243His (NM_001304482.2); short protein forms R1243H, R1369H.
Identifiers: ClinVar variation 1609685 (VCV001609685.14), dbSNP rs201950738, ClinGen allele CA2366468.
Genomic context (GRCh38, chr3:47,412,126, plus strand): 5'-CTCTTCCTGGCCCCATCCTGTCCCACAGAGGCCTGCCCGACAGCCCCAGCAACTTGCTGC[G>A]CTTCATCCAGGAGGTGCACGCACATTACCTGCATCAGCGGCCGCTGCACACGCCCATCAT-3'
Protein context (NP_056281.1, residues 1359-1379): GLPDSPSNLL[Arg1369His]FIQEVHAHYL

ClinVar aggregate classification (germline): Conflicting classifications of pathogenicity. Review status: criteria provided, conflicting classifications (1 of 4 stars). 4 submissions from 4 submitters: Uncertain significance (1); Benign (1); Likely benign (2). Last evaluated 2026-08-01.

Conditions:
Neurodevelopmental disorder and structural brain anomalies with or without seizures and spasticity. Identifiers: MedGen C5394423, MONDO:0030046, OMIM 618890.
Inborn genetic diseases. Identifiers: MedGen C0950123, MeSH D030342.

Allele frequency attached by ClinVar (database versions not stated): TOPMed 0.00008; gnomAD 0.00009; ExAC 0.00021; gnomAD exomes 0.00021 and 0.00022; 1000 Genomes Project 30x 0.00031; 1000 Genomes Project 0.00040.

Submissions (4):

CeGaT Center for Human Genetics Tuebingen
Classification: Likely benign. Last evaluated: 2026-08-01. Review status: criteria provided, single submitter. Criteria: CeGaT Center For Human Genetics Tuebingen Variant Classification Criteria Version 2. Collection method: clinical testing. Allele origin: germline. Affected: yes. Observed: 1 variant allele.
Comment: PTPN23: BP4

Labcorp Genetics (formerly Invitae), Labcorp
Classification: Benign. Last evaluated: 2026-01-19. Review status: criteria provided, single submitter. Criteria: Invitae Variant Classification Sherloc (09022015). Collection method: clinical testing. Allele origin: germline.

Ambry Genetics
Classification: Likely benign for Inborn genetic diseases. Last evaluated: 2023-06-06. Review status: criteria provided, single submitter. Criteria: Ambry Variant Classification Scheme 2023. Collection method: clinical testing. Allele origin: germline.

Revvity Omics, Revvity
Classification: Uncertain significance for Neurodevelopmental disorder and structural brain anomalies with or without seizures and spasticity. Last evaluated: 2022-11-29. Review status: criteria provided, single submitter. Criteria: ACMG Guidelines, 2015. Collection method: clinical testing. Allele origin: germline.